The following is an entry in ClinVar:

NM_020975.6(RET):c.3185A>G (p.Tyr1062Cys)

Gene: RET (ret proto-oncogene; plus strand). Cytogenetic location: 10q11.21.
Variant type: single nucleotide variant.
Coding change: c.3185A>G on transcript NM_020975.6 (MANE Select); coding-DNA position 3185, A replaced by G.
Protein change: p.Tyr1062Cys; replaces tyrosine 1062 with cysteine.
Molecular consequence: missense variant.
Genome position (GRCh38, 1-based): chr10:43,126,720, A>G. VCF-style: chr10-43126720-A-G. GRCh37 (hg19) VCF-style: chr10-43622168-A-G.
Other names: c.3185A>G, p.Tyr1062Cys (NM_000323.2, NM_001406743.1, NM_001406744.1 and 2 more transcripts); c.2423A>G, p.Tyr808Cys (NM_001355216.2); c.3056A>G, p.Tyr1019Cys (NM_001406761.1, NM_001406762.1, NM_001406764.1); c.2789A>G, p.Tyr930Cys (NM_001406772.1, NM_001406769.1); c.2747A>G, p.Tyr916Cys (NM_001406773.1, NM_001406771.1); c.2660A>G, p.Tyr887Cys (NM_001406774.1); c.2459A>G, p.Tyr820Cys (NM_001406775.1, NM_001406776.1, NM_001406778.1); c.2288A>G, p.Tyr763Cys (NM_001406779.1, NM_001406780.1, NM_001406781.1 and 1 more transcripts); and 10 more; short protein forms Y1062C, Y808C, Y579C, Y627C, Y732C, Y930C, Y974C, Y667C.
Identifiers: ClinVar variation 135181 (VCV000135181.30), dbSNP rs587778659, ClinGen allele CA009211.

ClinVar aggregate classification (germline): Conflicting classifications of pathogenicity. Review status: criteria provided, conflicting classifications (1 of 4 stars). 14 submissions from 13 submitters: Pathogenic (2); Likely pathogenic (2); Uncertain significance (7). 3 of the submissions do not count toward it. Last evaluated 2025-12-22.

Conditions:
Pheochromocytoma. Also called: MAX-Related Hereditary Paraganglioma-Pheochromocytoma Syndrome. Identifiers: Orphanet 29072, MedGen C0031511, MONDO:0008233, OMIM 171300, HP:0002666.
Hirschsprung disease, susceptibility to, 1 (HSCR1). Also called: RET-Related Hirschsprung Disease. Identifiers: Orphanet 388, MedGen C3888239, MONDO:0007723, OMIM 142623.
Familial medullary thyroid carcinoma (MTC). Also called: Thyroid cancer, familial medullary; MTC, familial; Familial Medullary Thyroid Carcinoma (FMTC). Identifiers: Orphanet 653, Orphanet 99361, MedGen C1833921, MONDO:0007958, OMIM 155240.
Multiple endocrine neoplasia type 2B. Also called: MEN IIB; NEUROMATA, MUCOSAL, WITH ENDOCRINE TUMORS; WAGENMANN-FROBOESE SYNDROME; MULTIPLE ENDOCRINE NEOPLASIA, TYPE III; MULTIPLE ENDOCRINE NEOPLASIA, TYPE IIB; MEN 2B. Identifiers: Orphanet 247709, Orphanet 653, MedGen C0025269, MeSH D018814, MONDO:0008082, OMIM 162300.
Multiple endocrine neoplasia type 2A. Also called: Multiple Endocrine Neoplasia Type 2A (MEN2A); MULTIPLE ENDOCRINE NEOPLASIA, TYPE IIA; PTC SYNDROME; SIPPLE SYNDROME; MEN 2A; MEN-2A syndrome. Identifiers: Orphanet 247698, Orphanet 653, MedGen C0025268, MeSH D018813, MONDO:0008234, OMIM 171400.
RET-related disorder. Also called: RET-related disorders; RET-related condition; RET-related disease.
Hereditary cancer-predisposing syndrome. Also called: Tumor predisposition; Hereditary neoplastic syndrome; Hereditary Cancer Syndrome; Neoplastic Syndromes, Hereditary. Identifiers: Orphanet 140162, MedGen C0027672, MeSH D009386, MONDO:0015356.
Multiple endocrine neoplasia, type 2 (MEN2). Identifiers: Orphanet 653, MedGen C4048306, MONDO:0019003. Disease mechanism: gain of function.

Allele frequency attached by ClinVar (database versions not stated): gnomAD exomes 0.00001; ExAC 0.00001; TOPMed 0.00002; gnomAD 0.00003.
gnomAD v4.1: 35 of 1,613,712 alleles (0.0022%); highest among the groups gnomAD compares: African/African-American, 0.0027%; no homozygotes.

Submissions (14):

PreventionGenetics, part of Exact Sciences
Classification: Uncertain significance for RET-related condition. Last evaluated: 2025-12-22. Review status: criteria provided, single submitter. Criteria: ACMG Guidelines, 2015. Collection method: clinical testing. Allele origin: germline.
Comment: The RET c.3185A>G variant is predicted to result in the amino acid substitution p.Tyr1062Cys. This variant has been reported in multiple patients with Hirschsprung disease (Wu et al. 2005. PubMed ID: 15834508; So et al. 2011. PubMed ID: 22174939; Widowati et al. 2015. PubMed ID: 26395553). This variant was also suggested to have reduced penetrance (So et al. 2011. PubMed ID: 22174939). In vitro functional studies showed reduced ERK activation and resulted in lower activation of RET (Widowati et al 2015. PubMed ID: 26395553). This variant is reported in 0.0050% of alleles in individuals of East Asian descent in gnomAD and has conflicting interpretations in ClinVar ranging from uncertain to pathogenic in ClinVar (Variation ID: 135181). At this time, the clinical significance of this variant is uncertain due to the absence of conclusive functional and genetic evidence.

Labcorp Genetics (formerly Invitae), Labcorp
Classification: Uncertain significance for Multiple endocrine neoplasia, type 2. Last evaluated: 2025-11-13. Review status: criteria provided, single submitter. Criteria: Invitae Variant Classification Sherloc (09022015). Collection method: clinical testing. Allele origin: germline.
Comment: This sequence change replaces tyrosine, which is neutral and polar, with cysteine, which is neutral and slightly polar, at codon 1062 of the RET protein (p.Tyr1062Cys). This variant is present in population databases (rs587778659, gnomAD 0.005%). This missense change has been observed in individual(s) with Hirschsprung disease (PMID: 15834508, 21995290, 22174939). ClinVar contains an entry for this variant (Variation ID: 135181). An algorithm developed to predict the effect of missense changes on protein structure and function (PolyPhen-2) suggests that this variant is likely to be disruptive. Experimental studies have shown that this missense change affects RET function (PMID: 26395553, 39009827). Algorithms developed to predict the effect of sequence changes on RNA splicing suggest that this variant may disrupt the consensus splice site. In summary, the available evidence is currently insufficient to determine the role of this variant in disease. Therefore, it has been classified as a Variant of Uncertain Significance.

Quest Diagnostics Nichols Institute San Juan Capistrano
Classification: Uncertain significance. Last evaluated: 2025-04-04. Review status: criteria provided, single submitter. Criteria: Quest Diagnostics criteria. Collection method: clinical testing. Allele origin: unknown.

Center for Genomic Medicine, Rigshospitalet, Copenhagen University Hospital
Classification: Likely pathogenic. Last evaluated: 2025-03-04. Review status: criteria provided, single submitter. Criteria: ACMG Guidelines, 2015. Collection method: clinical testing. Allele origin: germline.

Ambry Genetics
Classification: Pathogenic for Hereditary cancer-predisposing syndrome. Last evaluated: 2024-12-16. Review status: criteria provided, single submitter. Criteria: Ambry Variant Classification Scheme 2023. Collection method: clinical testing. Allele origin: germline.
Comment: The p.Y1062C pathogenic mutation (also known as c.3185A>G), located in coding exon 19 of the RET gene, results from an A to G substitution at nucleotide position 3185. The tyrosine at codon 1062 is replaced by cysteine, an amino acid with highly dissimilar properties. This amino acid position is highly conserved in available vertebrate species. This alteration has been reported in multiple individuals from unique cohorts of Hirschsprung disease patients (Wu TT et al. J Hum Genet, 2005 Apr;50:168-174; Ruiz-Ferrer M et al. Genet Med, 2006 Nov;8:704-10; N&uacute;&ntilde;ez-Torres R et al. BMC Med Genet, 2011 Oct;12:138; So MT et al. PLoS One, 2011 Dec;6:e28986; Jiang Q et al. Orphanet J Rare Dis, 2019 10;14:237). Further, functional analysis using western blotting showed that this alteration resulted in lower activation (phosphorylation levels) of RET and reduced ERK activation (Widowati T et al. Eur J Hum Genet, 2016 06;24:823-9). In addition, this alteration is predicted to be deleterious by in silico analysis. Based on the supporting evidence, this alteration is pathogenic for Hirschsprung disease; however, the association of this alteration with MEN2 is unknown.

GeneDx
Classification: Uncertain significance. Last evaluated: 2024-09-13. Review status: criteria provided, single submitter. Criteria: GeneDx Variant Classification Process June 2021. Collection method: clinical testing. Allele origin: germline. Affected: yes.
Comment: Identified in individuals with Hirschsprung disease, most of whom were found to inherit the variant from an unaffected parent (PMID: 15834508, 17108762, 21475823, 22174939, 21995290); In silico analysis supports that this missense variant has a deleterious effect on protein structure/function; In silico analysis is inconclusive as to whether the variant alters gene splicing. In the absence of RNA/functional studies, the actual effect of this sequence change is unknown.; Not observed at significant frequency in large population cohorts (gnomAD); Published functional studies demonstrate decreased RET and ERK phosphorylation (PMID: 26395553); This variant is associated with the following publications: (PMID: 24728327, 21475823, 17108762, 15834508, 21995290, 22174939, 24336963, 14633923, 26206375, 11061555, 31666091, 26395553)

Color Diagnostics, LLC DBA Color Health
Classification: Uncertain significance for Multiple endocrine neoplasia, type 2. Last evaluated: 2024-08-07. Review status: criteria provided, single submitter. Criteria: ACMG Guidelines, 2015. Collection method: clinical testing. Allele origin: germline.
Comment: This missense variant replaces tyrosine with cysteine at codon 1062 of the RET protein. Computational prediction suggests that this variant may have deleterious impact on protein structure and function. A functional study demonstrated a reduction in RET and ERK activation when this variant was expressed in vitro (PMID: 26395553). This variant has been reported in individuals affected with Hirschsprung's disease (PMID: 15834508, 21475823, 21995290, 22174939, 26395553, 31666091, 33750457). This variant has been identified in 5/282242 chromosomes in the general population by the Genome Aggregation Database (gnomAD). The available evidence is insufficient to determine the role of this variant in disease conclusively. Therefore, this variant is classified as a Variant of Uncertain Significance.

Women's Health and Genetics/Laboratory Corporation of America, LabCorp
Classification: Pathogenic for Hirschsprung disease, susceptibility to, 1. Last evaluated: 2024-06-19. Review status: criteria provided, single submitter. Criteria: LabCorp Variant Classification Summary - May 2015. Collection method: clinical testing. Allele origin: germline.
Comment: Variant summary: RET c.3185A>G (p.Tyr1062Cys) results in a non-conservative amino acid change in the encoded protein sequence. Five of five in-silico tools predict a damaging effect of the variant on protein function. Several computational tools predict a significant impact on normal splicing: One predict the variant abolishes a canonical 5' splicing donor site. However, these predictions have yet to be confirmed by functional studies. The variant allele was found at a frequency of 1.2e-05 in 250878 control chromosomes. c.3185A>G has been reported in the literature in multiple individuals affected with Hirschsprung Disease (examples: Wu_2005, Ruiz-Ferrer_2006, MariaFernandez_2009, Nunez-Torres_2011, Widowati_2016, Jiang_2019). At-least one of these was reported as a de novo ( Jiang_2019). These data indicate that the variant is very likely to be associated with disease. At least one publication reports experimental evidence evaluating an impact on protein function. The most pronounced variant effect results in lower activation (phosphorylation levels) of RET and reduced ERK activation (Widowati_2016). The following publications have been ascertained in the context of this evaluation (PMID: 15834508, 21995290, 17108762, 31666091, 26395553, 21475823). ClinVar contains an entry for this variant (Variation ID: 135181). Based on the evidence outlined above, the variant was classified as pathogenic.

Baylor Genetics
Classification: Uncertain significance for Hirschsprung disease, susceptibility to, 1. Last evaluated: 2024-02-05. Review status: criteria provided, single submitter. Criteria: ACMG Guidelines, 2015. Collection method: clinical testing. Allele origin: unknown.

Fulgent Genetics
Classification: Likely pathogenic for Hirschsprung disease, susceptibility to, 1; Familial medullary thyroid carcinoma; Multiple endocrine neoplasia type 2B; Pheochromocytoma; Multiple endocrine neoplasia type 2A. Last evaluated: 2024-01-26. Review status: criteria provided, single submitter. Criteria: ACMG Guidelines, 2015. Collection method: clinical testing. Allele origin: germline.

Blueprint Genetics
Classification: Uncertain significance. Last evaluated: 2023-06-06. Review status: criteria provided, single submitter. Criteria: ACMG Guidelines, 2015. Collection method: clinical testing. Allele origin: germline.

Counsyl
Classification: Uncertain significance for Multiple endocrine neoplasia type 2B. Last evaluated: 2015-12-13. Review status: no assertion criteria provided. Collection method: clinical testing. Allele origin: unknown. Not counted in ClinVar's aggregate classification.

Counsyl
Classification: Uncertain significance for Multiple endocrine neoplasia type 2A. Last evaluated: 2015-12-13. Review status: no assertion criteria provided. Collection method: clinical testing. Allele origin: unknown. Not counted in ClinVar's aggregate classification.

ITMI
No classification provided. Condition: AllHighlyPenetrant. Last evaluated: 2013-09-19. Review status: no classification provided. Collection method: reference population. Allele origin: germline. Not counted in ClinVar's aggregate classification.
Comment: Please see associated publication for description of ethnicities

Literature cited by the submitters: PubMed 15834508 (cited by 5 submitters); PubMed 21995290 (cited by 5 submitters); PubMed 22174939 (cited by 4 submitters); PubMed 26395553 (cited by 6 submitters); PubMed 39009827 (cited by Labcorp Genetics (formerly Invitae), Labcorp); PubMed 31666091 (cited by 4 submitters); PubMed 7647787 (cited by Center for Genomic Medicine, Rigshospitalet, Copenhagen University Hospital); PubMed 17108762 (cited by 3 submitters); PubMed 21475823 (cited by 3 submitters); PubMed 24728327 (cited by 3 submitters); PubMed 33750457 (cited by Color Diagnostics, LLC DBA Color Health); PubMed 26206375 (cited by Counsyl); PubMed 24336963 (cited by Counsyl); PubMed 11061555 (cited by Counsyl).